The following is an entry in ClinVar:

NM_001365308.1(BMPER):c.1774C>T (p.Pro592Ser)

Gene: BMPER (BMP binding endothelial regulator; plus strand). Cytogenetic location: 7p14.3.
Variant type: single nucleotide variant.
Coding change: c.1774C>T on transcript NM_001365308.1 (MANE Select); coding-DNA position 1774, C replaced by T.
Protein change: p.Pro592Ser; replaces proline 592 with serine.
Molecular consequence: missense variant.
Genome position (GRCh38, 1-based): chr7:34,143,258, C>T. VCF-style: chr7-34143258-C-T. GRCh37 (hg19) VCF-style: chr7-34182870-C-T.
Other names: c.1774C>T, p.Pro592Ser (NM_133468.5); short protein forms P592S.
Identifiers: ClinVar variation 1387968 (VCV001387968.8), dbSNP rs1415740499, ClinGen allele CA367179397.
Genomic context (GRCh38, chr7:34,143,258, plus strand): 5'-AAATGTTTCTATCTCTCTTTTGGGTCCTATAGGTCCTGTGTGACAGACATGTGTGAATGT[C>T]CAGTCCATAAAAACTGTTATTGCGAGTCATTTTTGGCATATACCCGGGCCTGCCAGAGAG-3'
Protein context (NP_001352237.1, residues 582-602): RSCVTDMCEC[Pro592Ser]VHKNCYCESF

ClinVar aggregate classification (germline): Uncertain significance (1 of 4 stars; one submission).

Allele frequency attached by ClinVar (database versions not stated): TOPMed below 0.00001.

Submission:

Labcorp Genetics (formerly Invitae), Labcorp
Classification: Uncertain significance. Last evaluated: 2022-01-11. Review status: criteria provided, single submitter. Criteria: Invitae Variant Classification Sherloc (09022015). Collection method: clinical testing. Allele origin: germline.
Comment: Algorithms developed to predict the effect of missense changes on protein structure and function are either unavailable or do not agree on the potential impact of this missense change (SIFT: "Deleterious"; PolyPhen-2: "Probably Damaging"; Align-GVGD: "Class C0"). In summary, the available evidence is currently insufficient to determine the role of this variant in disease. Therefore, it has been classified as a Variant of Uncertain Significance. This variant has not been reported in the literature in individuals affected with BMPER-related conditions. This variant is not present in population databases (gnomAD no frequency). This sequence change replaces proline, which is neutral and non-polar, with serine, which is neutral and polar, at codon 592 of the BMPER protein (p.Pro592Ser).